The following is an entry in ClinVar:

ClinVar aggregate classification (germline): Uncertain significance (1 of 4 stars; one submission).

Allele frequency attached by ClinVar (database versions not stated): gnomAD exomes below 0.00001; TOPMed below 0.00001; ExAC 0.00001; gnomAD 0.00001.
gnomAD v4.1: 2 of 1,613,686 alleles (0.00012%); highest among the groups gnomAD compares: African/African-American, 0.0013%; no homozygotes.

Submission:

Labcorp Genetics (formerly Invitae), Labcorp
Classification: Uncertain significance. Last evaluated: 2022-05-16. Review status: criteria provided, single submitter. Criteria: Invitae Variant Classification Sherloc (09022015). Collection method: clinical testing. Allele origin: germline.
Comment: This sequence change replaces alanine, which is neutral and non-polar, with valine, which is neutral and non-polar, at codon 246 of the DSG4 protein (p.Ala246Val). This variant is present in population databases (rs749789051, gnomAD 0.004%). This variant has not been reported in the literature in individuals affected with DSG4-related conditions. Algorithms developed to predict the effect of missense changes on protein structure and function are either unavailable or do not agree on the potential impact of this missense change (SIFT: "Not Available"; PolyPhen-2: "Benign"; Align-GVGD: "Not Available"). In summary, the available evidence is currently insufficient to determine the role of this variant in disease. Therefore, it has been classified as a Variant of Uncertain Significance.

NM_177986.5(DSG4):c.737C>T (p.Ala246Val)

Genes: DSG1-AS1 (DSG1 antisense RNA 1; minus strand), DSG4 (desmoglein 4; plus strand). Cytogenetic location: 18q12.1.
Variant type: single nucleotide variant.
Coding change: c.737C>T on transcript NM_177986.5 (MANE Select); coding-DNA position 737, C replaced by T.
Protein change: p.Ala246Val; replaces alanine 246 with valine.
Molecular consequence: missense variant.
Genome position (GRCh38, 1-based): chr18:31,391,130, C>T. VCF-style: chr18-31391130-C-T. GRCh37 (hg19) VCF-style: chr18-28971093-C-T.
Other names: c.737C>T, p.Ala246Val (NM_001134453.3); short protein forms A246V.
Identifiers: ClinVar variation 2187457 (VCV002187457.4), dbSNP rs749789051, ClinGen allele CA8926811.